The following is an entry in ClinVar:

NM_025114.4(CEP290):c.4819A>T (p.Met1607Leu)

Gene: CEP290 (centrosomal protein 290; minus strand). Cytogenetic location: 12q21.32.
Variant type: single nucleotide variant.
Coding change: c.4819A>T on transcript NM_025114.4 (MANE Select); coding-DNA position 4819, A replaced by T.
Protein change: p.Met1607Leu; replaces methionine 1607 with leucine.
Molecular consequence: missense variant.
Genome position (GRCh38, 1-based): chr12:88,083,224, T>A on the plus strand (A>T on the coding strand, the complement: CEP290 is on the minus strand). VCF-style: chr12-88083224-T-A. GRCh37 (hg19) VCF-style: chr12-88477001-T-A.
Other names: short protein forms M1607L.
Identifiers: ClinVar variation 2174965 (VCV002174965.4), dbSNP rs2499962029, ClinGen allele CA385993068.
Genomic context (GRCh38, chr12:88,083,224, plus strand): 5'-CCATCTCAGCCAGACGAATAAAATGCTTGTTGGTAGGAACTGGAGTGGGAGACTGTTTCA[T>A]TAAATCCTATAAAATATGAATATATTAGCAATAGGCATGTATAATTCAATGCCATACTTA-3'
Protein context (NP_079390.3, residues 1597-1617): NKFKQTAWDL[Met1607Leu]KQSPTPVPTN

ClinVar aggregate classification (germline): Uncertain significance (1 of 4 stars; one submission).

Conditions:
Joubert syndrome. Also called: CEREBELLOPARENCHYMAL DISORDER IV; JOUBERT-BOLTSHAUSER SYNDROME; Familial aplasia of the vermis. Identifiers: Orphanet 475, MedGen C5979921, MONDO:0018772.
Nephronophthisis. Also called: Juvenile Nephronophthisis. Identifiers: Orphanet 655, MedGen C0687120, MONDO:0019005, HP:0000090.
Meckel-Gruber syndrome. Also called: DYSENCEPHALIA SPLANCHNOCYSTICA; GRUBER SYNDROME; Dysencephalia splachnocystica. Identifiers: Orphanet 564, MedGen C0265215, MONDO:0018921.

Submission:

Labcorp Genetics (formerly Invitae), Labcorp
Classification: Uncertain significance for Joubert syndrome; Meckel-Gruber syndrome; Nephronophthisis. Last evaluated: 2022-08-19. Review status: criteria provided, single submitter. Criteria: Invitae Variant Classification Sherloc (09022015). Collection method: clinical testing. Allele origin: germline.
Comment: This sequence change replaces methionine, which is neutral and non-polar, with leucine, which is neutral and non-polar, at codon 1607 of the CEP290 protein (p.Met1607Leu). This variant is not present in population databases (gnomAD no frequency). This variant has not been reported in the literature in individuals affected with CEP290-related conditions. Algorithms developed to predict the effect of missense changes on protein structure and function output the following: SIFT: "Tolerated"; PolyPhen-2: "Benign"; Align-GVGD: "Class C0". The leucine amino acid residue is found in multiple mammalian species, which suggests that this missense change does not adversely affect protein function. In summary, the available evidence is currently insufficient to determine the role of this variant in disease. Therefore, it has been classified as a Variant of Uncertain Significance.